The following is an entry in ClinVar:

NM_001018113.3(FANCB):c.1001T>C (p.Ile334Thr)

Gene: FANCB (FA complementation group B; minus strand). Cytogenetic location: Xp22.2.
Variant type: single nucleotide variant.
Coding change: c.1001T>C on transcript NM_001018113.3 (MANE Select); coding-DNA position 1001, T replaced by C.
Protein change: p.Ile334Thr; replaces isoleucine 334 with threonine.
Molecular consequence: missense variant.
Genome position (GRCh38, 1-based): chrX:14,859,285, A>G on the plus strand (T>C on the coding strand, the complement: FANCB is on the minus strand). VCF-style: chrX-14859285-A-G. GRCh37 (hg19) VCF-style: chrX-14877407-A-G.
Other names: c.1001T>C, p.Ile334Thr (NM_001324162.2, NM_001410764.1, NM_152633.4); short protein forms I334T.
Identifiers: ClinVar variation 4755637 (VCV004755637.1).

ClinVar aggregate classification (germline): Uncertain significance (1 of 4 stars; one submission).

Submission:

GeneDx
Classification: Uncertain significance. Last evaluated: 2025-08-06. Review status: criteria provided, single submitter. Criteria: GeneDx Variant Classification Process June 2021. Collection method: clinical testing. Allele origin: germline. Affected: yes.
Comment: Not observed at significant frequency in large population cohorts (gnomAD); In silico analysis suggests that this missense variant does not alter protein structure/function; Has not been previously published as pathogenic or benign to our knowledge